The following is an entry in ClinVar:

NM_015102.5(NPHP4):c.3674C>T (p.Thr1225Met)

Gene: NPHP4 (nephrocystin 4; minus strand). Cytogenetic location: 1p36.31.
Variant type: single nucleotide variant.
Coding change: c.3674C>T on transcript NM_015102.5 (MANE Select); coding-DNA position 3674, C replaced by T.
Protein change: p.Thr1225Met; replaces threonine 1225 with methionine.
Molecular consequence: missense variant. On other transcripts: non-coding transcript variant (1).
Genome position (GRCh38, 1-based): chr1:5,865,244, G>A on the plus strand (C>T on the coding strand, the complement: NPHP4 is on the minus strand). VCF-style: chr1-5865244-G-A. GRCh37 (hg19) VCF-style: chr1-5925304-G-A.
Other names: c.2135C>T, p.Thr712Met (NM_001291593.2); c.2138C>T, p.Thr713Met (NM_001291594.2); short protein forms T1225M, T712M, T713M.
Identifiers: ClinVar variation 196032 (VCV000196032.27), dbSNP rs144624477, ClinGen allele CA202094.

ClinVar aggregate classification (germline): Benign/Likely benign. Review status: criteria provided, multiple submitters, no conflicts (2 of 4 stars). 9 submissions from 8 submitters: Benign (7); Likely benign (2). Last evaluated 2026-09-01.

Conditions:
Kidney disorder. Also called: renal disorder; renal disease; Nephropathy; Kidney disease; Kidney Diseases. Identifiers: MedGen C0022658, MONDO:0005240, HP:0000112.
Nephronophthisis. Also called: Juvenile Nephronophthisis. Identifiers: Orphanet 655, MedGen C0687120, MONDO:0019005, HP:0000090.
Senior-Loken syndrome 4 (SLSN4). Identifiers: Orphanet 3156, MedGen C1846979, MONDO:0011756, OMIM 606996.
Nephronophthisis 4 (NPHP4). Also called: NEPHRONOPHTHISIS 4, JUVENILE. Identifiers: Orphanet 655, MedGen C1847013, MONDO:0011752, OMIM 606966.

Allele frequency attached by ClinVar (database versions not stated): gnomAD exomes 0.00057 and 0.00135; ExAC 0.00231; ESP Exome Variant Server 0.00447; gnomAD 0.00541 and 0.00576; 1000 Genomes Project 0.00579; TOPMed 0.00604; 1000 Genomes Project 30x 0.00703.
gnomAD v4.1: 1,691 of 1,584,646 alleles (0.11%); highest among the groups gnomAD compares: African/African-American, 1.9%; 19 homozygotes.

Submissions (9):

CeGaT Center for Human Genetics Tuebingen
Classification: Benign. Last evaluated: 2026-09-01. Review status: criteria provided, single submitter. Criteria: CeGaT Center For Human Genetics Tuebingen Variant Classification Criteria Version 2. Collection method: clinical testing. Allele origin: germline. Affected: yes. Observed: 3 variant alleles.
Comment: NPHP4: BP4, BS1, BS2

Labcorp Genetics (formerly Invitae), Labcorp
Classification: Benign for Nephronophthisis. Last evaluated: 2026-01-26. Review status: criteria provided, single submitter. Criteria: Invitae Variant Classification Sherloc (09022015). Collection method: clinical testing. Allele origin: germline.

Mayo Clinic Laboratories, Mayo Clinic
Classification: Likely benign. Last evaluated: 2025-09-26. Review status: criteria provided, single submitter. Criteria: ACMG Guidelines, 2015. Collection method: clinical testing. Allele origin: germline. Observed: 5 variant alleles.
Comment: BS1, BS2, BP4_moderate

Mendelics
Classification: Benign for Nephronophthisis 4. Last evaluated: 2019-05-28. Review status: criteria provided, single submitter. Criteria: Mendelics Assertion Criteria 2017. Collection method: clinical testing. Allele origin: unknown.

Illumina Laboratory Services, Illumina
Classification: Benign for Nephronophthisis 4. Last evaluated: 2017-04-28. Review status: criteria provided, single submitter. Criteria: ICSL Variant Classification Criteria 13 December 2019. Collection method: clinical testing. Allele origin: germline.
Comment: This variant was observed as part of a predisposition screen in an ostensibly healthy population. A literature search was performed for the gene, cDNA change, and amino acid change (where applicable). Publications were found based on this search. The evidence from the literature, in combination with allele frequency data from public databases where available, was sufficient to rule this variant out of causing disease. Therefore, this variant is classified as benign.

Illumina Laboratory Services, Illumina
Classification: Benign for Senior-Loken syndrome 4. Last evaluated: 2017-04-28. Review status: criteria provided, single submitter. Criteria: ICSL Variant Classification Criteria 13 December 2019. Collection method: clinical testing. Allele origin: germline.
Comment: the same text as in the submission from Illumina Laboratory Services, Illumina above.

Genome Diagnostics Laboratory, The Hospital for Sick Children
Classification: Likely benign for Kidney disorder. Last evaluated: 2017-02-13. Review status: criteria provided, single submitter. Criteria: ACMG Guidelines, 2015. Collection method: clinical testing. Allele origin: germline.

Eurofins Ntd Llc (ga)
Classification: Benign. Last evaluated: 2014-10-07. Review status: criteria provided, single submitter. Criteria: EGL Classification Definitions 2015. Collection method: clinical testing. Allele origin: germline. Observed: 1 variant allele, 1 heterozygote.

Breakthrough Genomics
Classification: Benign. Review status: criteria provided, single submitter. Criteria: ACMG Guidelines, 2015. Collection method: not provided. Allele origin: germline. Inheritance: Autosomal recessive inheritance. Affected: yes.

Literature cited by the submitters: PubMed 15776426 (cited by Mayo Clinic Laboratories, Mayo Clinic and Illumina Laboratory Services, Illumina); PubMed 21546380 (cited by Mayo Clinic Laboratories, Mayo Clinic and Illumina Laboratory Services, Illumina); PubMed 30476936 (cited by Mayo Clinic Laboratories, Mayo Clinic); PubMed 37230223 (cited by Mayo Clinic Laboratories, Mayo Clinic).